The following is an entry in ClinVar:

ClinVar aggregate classification (germline): Likely pathogenic (1 of 4 stars; one submission).

Conditions:
Deficiency of alpha-mannosidase (MANSA). Also called: Mannosidosis, alpha-, types I and II; Alpha-Mannosidosis; LYSOSOMAL ALPHA-D-MANNOSIDASE DEFICIENCY. Identifiers: Orphanet 61, MedGen C0024748, MONDO:0009561, OMIM 248500.

Submission:

Myriad Genetics, Inc.
Classification: Likely pathogenic for Deficiency of alpha-mannosidase. Last evaluated: 2020-02-05. Review status: criteria provided, single submitter. Criteria: Myriad Women's Health Autosomal Recessive and X-Linked Classification Criteria (2019). Collection method: clinical testing. Allele origin: unknown.
Comment: NM_000528.3(MAN2B1):c.1363C>T(Q455*) is expected to be pathogenic in the context of alpha-mannosidosis. This variant is predicted to lead to an abnormal or absent protein product due to the creation of a premature termination codon in MAN2B1, a gene where loss-of-function variants are known to be pathogenic. Please note: this variant was assessed in the context of healthy population screening.

NM_000528.4(MAN2B1):c.1363C>T (p.Gln455Ter)

Genes: MAN2B1 (mannosidase alpha class 2B member 1; minus strand), LOC129391064 (MPRA-validated peak3365 silencer; plus strand). Cytogenetic location: 19p13.13.
Variant type: single nucleotide variant.
Coding change: c.1363C>T on transcript NM_000528.4 (MANE Select); coding-DNA position 1363, C replaced by T.
Protein change: p.Gln455Ter; replaces glutamine 455 with a stop codon.
Molecular consequence: nonsense.
Genome position (GRCh38, 1-based): chr19:12,657,502, G>A on the plus strand (C>T on the coding strand, the complement: MAN2B1 is on the minus strand). VCF-style: chr19-12657502-G-A. GRCh37 (hg19) VCF-style: chr19-12768316-G-A.
Other names: c.1360C>T, p.Gln454Ter (NM_001173498.2); short protein forms Q454*, Q455*.
Identifiers: ClinVar variation 984241 (VCV000984241.3), dbSNP rs2023996617, ClinGen allele CA404246850.